The following is an entry in ClinVar:

NM_001855.5(COL15A1):c.100+9C>A

Genes: COL15A1 (collagen type XV alpha 1 chain; plus strand), COL15A1-AS1 (COL15A1 antisense RNA 1; minus strand). Cytogenetic location: 9q22.33.
Variant type: single nucleotide variant.
Coding change: c.100+9C>A on transcript NM_001855.5 (MANE Select); 9 bases into the intron after coding-DNA position 100, C replaced by A.
Molecular consequence: intron variant.
Genome position (GRCh38, 1-based): chr9:98,944,259, C>A. VCF-style: chr9-98944259-C-A. GRCh37 (hg19) VCF-style: chr9-101706541-C-A.
Identifiers: ClinVar variation 3033567 (VCV003033567.2), dbSNP rs199761983, ClinGen allele CA5154440.

ClinVar aggregate classification (germline): Likely benign (0 of 4 stars; one submission).

Conditions:
COL15A1-related disorder. Also called: COL15A1-related condition.

Allele frequency attached by ClinVar (database versions not stated): ESP Exome Variant Server 0.00062; 1000 Genomes Project 30x 0.00016.
gnomAD v4.1: 162 of 1,612,942 alleles (0.01%); highest among the groups gnomAD compares: African/African-American, 0.16%; 1 homozygote.

Submission:

PreventionGenetics, part of Exact Sciences
Classification: Likely benign for COL15A1-related condition. Last evaluated: 2019-06-13. Review status: no assertion criteria provided. Collection method: clinical testing. Allele origin: germline.
Comment: This variant is classified as likely benign based on ACMG/AMP sequence variant interpretation guidelines (Richards et al. 2015 PMID: 25741868, with internal and published modifications).